The following is an entry in ClinVar:

NM_001267550.2(TTN):c.55785A>G (p.Thr18595=)

Genes: TTN-AS1 (TTN antisense RNA 1; plus strand), TTN (titin; minus strand). Cytogenetic location: 2q31.2.
Variant type: single nucleotide variant.
Coding change: c.55785A>G on transcript NM_001267550.2 (MANE Select); coding-DNA position 55785, A replaced by G.
Protein change: p.Thr18595=; no amino-acid change (threonine 18595 retained).
Molecular consequence: synonymous variant.
Genome position (GRCh38, 1-based): chr2:178,601,119, T>C on the plus strand (A>G on the coding strand, the complement: TTN is on the minus strand). VCF-style: chr2-178601119-T-C. GRCh37 (hg19) VCF-style: chr2-179465846-T-C.
Other names: c.50862A>G, p.Thr16954= (NM_001256850.1); c.28590A>G, p.Thr9530= (NM_003319.4); c.48081A>G, p.Thr16027= (NM_133378.4); c.28965A>G, p.Thr9655= (NM_133432.3); c.29166A>G, p.Thr9722= (NM_133437.4).
Identifiers: ClinVar variation 3048292 (VCV003048292.5), dbSNP rs748815853, ClinGen allele CA1993386.

ClinVar aggregate classification (germline): Likely benign. Review status: criteria provided, multiple submitters, no conflicts (2 of 4 stars). 3 submissions from 3 submitters: Likely benign (2). 1 of the submissions does not count toward it. Last evaluated 2025-06-04.

Conditions:
TTN-related disorder. Also called: TTN-related condition; TTN-related disease; TTN-related disorders.
Cardiovascular phenotype. Identifiers: MedGen CN230736.
Dilated cardiomyopathy 1G (CMD1G). Identifiers: Orphanet 154, MedGen C1858763, MONDO:0011400, OMIM 604145.
Autosomal recessive limb-girdle muscular dystrophy type 2J (LGMDR10). Also called: Limb-girdle muscular dystrophy, type 2J; MUSCULAR DYSTROPHY, LIMB-GIRDLE, AUTOSOMAL RECESSIVE 10. Identifiers: Orphanet 140922, MedGen C1837342, MONDO:0012127, OMIM 608807.

Allele frequency attached by ClinVar (database versions not stated): gnomAD exomes below 0.00001; ExAC 0.00001.
gnomAD v4.1: 3 of 1,573,908 alleles (0.00019%); highest among the groups gnomAD compares: African/African-American, 0.0027%; no homozygotes.

Submissions (3):

Labcorp Genetics (formerly Invitae), Labcorp
Classification: Likely benign for Dilated cardiomyopathy 1G; Autosomal recessive limb-girdle muscular dystrophy type 2J. Last evaluated: 2025-06-04. Review status: criteria provided, single submitter. Criteria: Invitae Variant Classification Sherloc (09022015). Collection method: clinical testing. Allele origin: germline.

Ambry Genetics
Classification: Likely benign for Cardiovascular phenotype. Last evaluated: 2022-11-27. Review status: criteria provided, single submitter. Criteria: Ambry Variant Classification Scheme 2023. Collection method: clinical testing. Allele origin: germline.

PreventionGenetics, part of Exact Sciences
Classification: Likely benign for TTN-related condition. Last evaluated: 2023-03-16. Review status: no assertion criteria provided. Collection method: clinical testing. Allele origin: germline. Not counted in ClinVar's aggregate classification.
Comment: This variant is classified as likely benign based on ACMG/AMP sequence variant interpretation guidelines (Richards et al. 2015 PMID: 25741868, with internal and published modifications).